The following is an entry in ClinVar:

NM_003907.3(EIF2B5):c.1016G>A (p.Arg339Gln)

Gene: EIF2B5 (eukaryotic translation initiation factor 2B subunit epsilon; plus strand). Cytogenetic location: 3q27.1.
Variant type: single nucleotide variant.
Coding change: c.1016G>A on transcript NM_003907.3 (MANE Select); coding-DNA position 1016, G replaced by A.
Protein change: p.Arg339Gln; replaces arginine 339 with glutamine.
Molecular consequence: missense variant.
Genome position (GRCh38, 1-based): chr3:184,140,590, G>A. VCF-style: chr3-184140590-G-A. GRCh37 (hg19) VCF-style: chr3-183858378-G-A.
Other names: short protein forms R339Q.
Identifiers: ClinVar variation 381579 (VCV000381579.20), dbSNP rs113994069, ClinGen allele CA2726571.

ClinVar aggregate classification (germline): Pathogenic/Likely pathogenic. Review status: criteria provided, multiple submitters, no conflicts (2 of 4 stars). 4 submissions from 4 submitters: Pathogenic (2); Likely pathogenic (1). 1 of the submissions does not count toward it. Last evaluated 2026-10-02.

Conditions:
Vanishing white matter disease. Also called: CACH syndrome; Childhood ataxia with diffuse central nervous system hypomyelination; Leukoencephalopathy with vanishing white matter; CACH/VWM syndrome; Cree leukoencehalopathy. Identifiers: Orphanet 135, Orphanet 99853, MedGen C1858991, MONDO:0800448.

Allele frequency attached by ClinVar (database versions not stated): gnomAD exomes 0.00006; ExAC 0.00008; gnomAD 0.00003; TOPMed 0.00004.
gnomAD v4.1: 74 of 1,614,022 alleles (0.0046%); highest among the groups gnomAD compares: Admixed American, 0.017%; no homozygotes.

Submissions (4):

GeneDx
Classification: Likely pathogenic. Last evaluated: 2026-10-02. Review status: criteria provided, single submitter. Criteria: GeneDx Variant Classification Process June 2021. Collection method: clinical testing. Allele origin: germline.
Comment: Observed with a second EIF2B5 variant in multiple unrelated individuals with EIF2B5-related clinical features in published literature (PMID: 11704758, 18263758, 33084218, 34745209, 35785335); In silico analysis supports that this missense variant has a deleterious effect on protein structure/function; This variant is associated with the following publications: (PMID: 18263758, 20975056, 33432707, 33084218, 34745209, 11704758, 39450483, 35785335)

Natera, Inc.
Classification: Pathogenic for Leukoencephalopathy with vanishing white matter. Last evaluated: 2025-07-07. Review status: criteria provided, single submitter. Criteria: Natera Variant Classification Schema (03/2026). Collection method: clinical testing. Allele origin: germline.
Comment: The c.1016G>A variant in EIF2B5 is a missense variant predicted to cause substitution of arginine to glutamine at amino acid 339. This variant is rare in the general population with a frequency below the threshold expected for the associated phenotype(s). This variant has been observed in one or more individuals affected with the associated recessive disease, as either homozygous or compound heterozygous with a second variant (PMID: 33432707). Additionally, this variant has been observed to segregate in affected family members (PMID: 33432707). A different variant at the same position has been determined to be Pathogenic or Likely Pathogenic. Computational prediction algorithms indicate this variant is likely to affect gene or protein function. Given the available evidence, this variant is classified as Pathogenic.

Labcorp Genetics (formerly Invitae), Labcorp
Classification: Pathogenic. Last evaluated: 2023-12-04. Review status: criteria provided, single submitter. Criteria: Invitae Variant Classification Sherloc (09022015). Collection method: clinical testing. Allele origin: germline.
Comment: This sequence change replaces arginine, which is basic and polar, with glutamine, which is neutral and polar, at codon 339 of the EIF2B5 protein (p.Arg339Gln). This variant is present in population databases (rs113994069, gnomAD 0.02%). This missense change has been observed in individuals with EIF2B5-related conditions (PMID: 11704758, 18263758, 20975056). ClinVar contains an entry for this variant (Variation ID: 381579). Advanced modeling of protein sequence and biophysical properties (such as structural, functional, and spatial information, amino acid conservation, physicochemical variation, residue mobility, and thermodynamic stability) performed at Invitae indicates that this missense variant is not expected to disrupt EIF2B5 protein function with a negative predictive value of 80%. This variant disrupts the p.Arg339 amino acid residue in EIF2B5. Other variant(s) that disrupt this residue have been determined to be pathogenic (PMID: 11704758, 15136673, 20958979). This suggests that this residue is clinically significant, and that variants that disrupt this residue are likely to be disease-causing. For these reasons, this variant has been classified as Pathogenic.

GeneReviews
No classification provided. Condition: Vanishing white matter disease. Review status: no classification provided. Collection method: literature only. Allele origin: germline. Not counted in ClinVar's aggregate classification.
Comment: associated w/severe disease

Literature cited by the submitters: PubMed 33432707 (cited by Natera, Inc.); PubMed 11704758 (cited by Labcorp Genetics (formerly Invitae), Labcorp); PubMed 18263758 (cited by Labcorp Genetics (formerly Invitae), Labcorp); PubMed 20975056 (cited by Labcorp Genetics (formerly Invitae), Labcorp and GeneReviews); PubMed 15136673 (cited by Labcorp Genetics (formerly Invitae), Labcorp); PubMed 20958979 (cited by Labcorp Genetics (formerly Invitae), Labcorp); PubMed 20301435 (cited by GeneReviews).